The following is an entry in ClinVar:

NM_001384474.1(LOXHD1):c.120C>G (p.Tyr40Ter)

Gene: LOXHD1 (lipoxygenase homology PLAT domains 1; minus strand). Cytogenetic location: 18q21.1.
Variant type: single nucleotide variant.
Coding change: c.120C>G on transcript NM_001384474.1 (MANE Select); coding-DNA position 120, C replaced by G.
Protein change: p.Tyr40Ter; replaces tyrosine 40 with a stop codon.
Molecular consequence: nonsense.
Genome position (GRCh38, 1-based): chr18:46,656,914, G>C on the plus strand (C>G on the coding strand, the complement: LOXHD1 is on the minus strand). VCF-style: chr18-46656914-G-C. GRCh37 (hg19) VCF-style: chr18-44236877-G-C.
Other names: c.120C>G, p.Tyr40Ter (NM_144612.7); short protein forms Y40*.
Identifiers: ClinVar variation 2015910 (VCV002015910.5), dbSNP rs1396994210, ClinGen allele CA402374269.
Genomic context (GRCh38, chr18:46,656,914, plus strand): 5'-CCACCGCAGCCAGCTGCACCACCCGCCCCCCGCAGGCTGGGACCCCGCACCTCTGGCCTT[G>C]TAGTACTCGTGTTCCAGCTCCCCCTCGTCGTCCTCCGAGGCGTAGTTCAGCAGCTCCGCT-3'

ClinVar aggregate classification (germline): Pathogenic/Likely pathogenic. Review status: criteria provided, multiple submitters, no conflicts (2 of 4 stars). 2 submissions from 2 submitters: Pathogenic (1); Likely pathogenic (1). Last evaluated 2024-10-11.

Conditions:
LOXHD1-related disorder. Also called: LOXHD1-related condition.

Allele frequency attached by ClinVar (database versions not stated): gnomAD exomes 0.00002.
gnomAD v4.1: 31 of 1,551,534 alleles (0.002%); highest among the groups gnomAD compares: Non-Finnish European, 0.0025%; no homozygotes.

Submissions (2):

Blueprint Genetics
Classification: Likely pathogenic for LOXHD1-related disorders. Last evaluated: 2024-10-11. Review status: criteria provided, single submitter. Criteria: ACMG Guidelines, 2015. Collection method: clinical testing. Allele origin: germline. Affected: yes. Observed: 2 variant alleles.

Labcorp Genetics (formerly Invitae), Labcorp
Classification: Pathogenic. Last evaluated: 2022-07-20. Review status: criteria provided, single submitter. Criteria: Invitae Variant Classification Sherloc (09022015). Collection method: clinical testing. Allele origin: germline.
Comment: For these reasons, this variant has been classified as Pathogenic. This variant has not been reported in the literature in individuals affected with LOXHD1-related conditions. This variant is present in population databases (no rsID available, gnomAD 0.02%). This sequence change creates a premature translational stop signal (p.Tyr40*) in the LOXHD1 gene. It is expected to result in an absent or disrupted protein product. Loss-of-function variants in LOXHD1 are known to be pathogenic (PMID: 19732867, 21465660, 25792669).

Literature cited by the submitters: PubMed 19732867 (cited by Labcorp Genetics (formerly Invitae), Labcorp); PubMed 21465660 (cited by Labcorp Genetics (formerly Invitae), Labcorp); PubMed 25792669 (cited by Labcorp Genetics (formerly Invitae), Labcorp).